The following is an entry in ClinVar:

NM_020911.2(PLXNA4):c.3384G>C (p.Leu1128=)

Gene: PLXNA4 (plexin A4; minus strand). Cytogenetic location: 7q32.3.
Variant type: single nucleotide variant.
Coding change: c.3384G>C on transcript NM_020911.2 (MANE Select); coding-DNA position 3384, G replaced by C.
Protein change: p.Leu1128=; no amino-acid change (leucine 1128 retained).
Molecular consequence: synonymous variant.
Genome position (GRCh38, 1-based): chr7:132,181,489, C>G on the plus strand (G>C on the coding strand, the complement: PLXNA4 is on the minus strand). VCF-style: chr7-132181489-C-G. GRCh37 (hg19) VCF-style: chr7-131866248-C-G.
Other names: c.3384G>C, p.Leu1128= (NM_001393897.1).
Identifiers: ClinVar variation 3028942 (VCV003028942.2), dbSNP rs750327264, ClinGen allele CA4489507.

ClinVar aggregate classification (germline): Likely benign (0 of 4 stars; one submission).

Conditions:
PLXNA4-related disorder. Also called: PLXNA4-related condition.

Allele frequency attached by ClinVar (database versions not stated): TOPMed below 0.00001; gnomAD 0.00001; ExAC 0.00003.
gnomAD v4.1: 19 of 1,614,000 alleles (0.0012%); highest among the groups gnomAD compares: Admixed American, 0.005%; no homozygotes.

Submission:

PreventionGenetics, part of Exact Sciences
Classification: Likely benign for PLXNA4-related condition. Last evaluated: 2022-07-09. Review status: no assertion criteria provided. Collection method: clinical testing. Allele origin: germline.
Comment: This variant is classified as likely benign based on ACMG/AMP sequence variant interpretation guidelines (Richards et al. 2015 PMID: 25741868, with internal and published modifications).